The following is an entry in ClinVar:

ClinVar aggregate classification (germline): Pathogenic/Likely pathogenic. Review status: criteria provided, multiple submitters, no conflicts (2 of 4 stars). 3 submissions from 3 submitters: Pathogenic (1); Likely pathogenic (2). Last evaluated 2025-09-30.

Conditions:
WRN-related disorder. Also called: WRN-related condition.
Werner syndrome (WRN). Identifiers: Orphanet 902, MedGen C0043119, MONDO:0010196, OMIM 277700.

Allele frequency attached by ClinVar (database versions not stated): gnomAD exomes below 0.00001 and 0.00002; ExAC 0.00001.

Submissions (3):

PreventionGenetics, part of Exact Sciences
Classification: Likely pathogenic for WRN-related condition. Last evaluated: 2025-09-30. Review status: criteria provided, single submitter. Criteria: ACMG Guidelines, 2015. Collection method: clinical testing. Allele origin: germline.
Comment: The WRN c.329dupA variant is predicted to result in premature protein termination (p.Tyr110*). To our knowledge, this variant has not been reported in the literature. This variant is reported in 0.014% of alleles in individuals of Latino descent in gnomAD. Nonsense variants in WRN are expected to be pathogenic. This variant is interpreted as likely pathogenic.

Baylor Genetics
Classification: Likely pathogenic for Werner syndrome. Last evaluated: 2024-03-03. Review status: criteria provided, single submitter. Criteria: ACMG Guidelines, 2015. Collection method: clinical testing. Allele origin: unknown.

Labcorp Genetics (formerly Invitae), Labcorp
Classification: Pathogenic for Werner syndrome. Last evaluated: 2023-06-14. Review status: criteria provided, single submitter. Criteria: Invitae Variant Classification Sherloc (09022015). Collection method: clinical testing. Allele origin: germline.
Comment: This variant is present in population databases (rs766733097, gnomAD 0.01%). For these reasons, this variant has been classified as Pathogenic. Algorithms developed to predict the effect of sequence changes on RNA splicing suggest that this variant may disrupt the consensus splice site. ClinVar contains an entry for this variant (Variation ID: 1075241). This variant has not been reported in the literature in individuals affected with WRN-related conditions. This sequence change creates a premature translational stop signal (p.Tyr110*) in the WRN gene. It is expected to result in an absent or disrupted protein product. Loss-of-function variants in WRN are known to be pathogenic (PMID: 16673358).

Literature cited by the submitters: PubMed 16673358 (cited by Labcorp Genetics (formerly Invitae), Labcorp).

NM_000553.6(WRN):c.329dup (p.Tyr110Ter)

Gene: WRN (WRN RecQ like helicase; plus strand). Cytogenetic location: 8p12.
Variant type: Duplication.
Coding change: c.329dup on transcript NM_000553.6 (MANE Select); coding-DNA position 329, one base duplicated (A; older notation c.329dupA).
Protein change: p.Tyr110Ter; replaces tyrosine 110 with a stop codon.
Molecular consequence: nonsense.
Genome position (GRCh38, 1-based): chr8:31,064,408, A duplicated. VCF-style (leftmost placement, unchanged base first): chr8-31064407-T-TA. GRCh37 (hg19) VCF-style: chr8-30921923-T-TA.
Other names: c.329dupA (NM_000553.4); short protein forms Y110*.
Identifiers: ClinVar variation 1075241 (VCV001075241.8), dbSNP rs766733097, ClinGen allele CA4704033.